The following is an entry in ClinVar:

NM_015909.4(NBAS):c.4807A>G (p.Lys1603Glu)

Gene: NBAS (NBAS subunit of NRZ tethering complex; minus strand). Cytogenetic location: 2p24.3.
Variant type: single nucleotide variant.
Coding change: c.4807A>G on transcript NM_015909.4 (MANE Select); coding-DNA position 4807, A replaced by G.
Protein change: p.Lys1603Glu; replaces lysine 1603 with glutamic acid.
Molecular consequence: missense variant. On other transcripts: non-coding transcript variant (1).
Genome position (GRCh38, 1-based): chr2:15,292,757, T>C on the plus strand (A>G on the coding strand, the complement: NBAS is on the minus strand). VCF-style: chr2-15292757-T-C. GRCh37 (hg19) VCF-style: chr2-15432881-T-C.
Other names: short protein forms K1603E.
Identifiers: ClinVar variation 2695126 (VCV002695126.3), dbSNP rs780541764, ClinGen allele CA1535489.
Genomic context (GRCh38, chr2:15,292,757, plus strand): 5'-CAGGCCAGGCTTCGTGCTCATGTCGAGTCACATGCCTGGTGACCATCTTGATTAGTTCTT[T>C]GGGATCAGCCTATGAAAGACATGGAAAAGAAGACATTTTACCAACATCATACAAACACGA-3'
Protein context (NP_056993.2, residues 1593-1613): KCHPLYRADP[Lys1603Glu]ELIKMVTRHV

ClinVar aggregate classification (germline): Uncertain significance (1 of 4 stars; one submission).

Allele frequency attached by ClinVar (database versions not stated): TOPMed below 0.00001; gnomAD exomes 0.00001; ExAC 0.00002.
gnomAD v4.1: 6 of 1,614,202 alleles (0.00037%); highest among the groups gnomAD compares: Non-Finnish European, 0.00051%; no homozygotes.

Submission:

Labcorp Genetics (formerly Invitae), Labcorp
Classification: Uncertain significance. Last evaluated: 2024-02-01. Review status: criteria provided, single submitter. Criteria: Invitae Variant Classification Sherloc (09022015). Collection method: clinical testing. Allele origin: germline.
Comment: This sequence change replaces lysine, which is basic and polar, with glutamic acid, which is acidic and polar, at codon 1603 of the NBAS protein (p.Lys1603Glu). This variant is present in population databases (rs780541764, gnomAD 0.003%). This variant has not been reported in the literature in individuals affected with NBAS-related conditions. Advanced modeling of protein sequence and biophysical properties (such as structural, functional, and spatial information, amino acid conservation, physicochemical variation, residue mobility, and thermodynamic stability) performed at Invitae indicates that this missense variant is not expected to disrupt NBAS protein function with a negative predictive value of 95%. In summary, the available evidence is currently insufficient to determine the role of this variant in disease. Therefore, it has been classified as a Variant of Uncertain Significance.